The following is an entry in ClinVar:

ClinVar aggregate classification (germline): Uncertain significance. Review status: criteria provided, multiple submitters, no conflicts (2 of 4 stars). 2 submissions from 2 submitters: Uncertain significance (2). Last evaluated 2026-08-13.

Conditions:
Occult macular dystrophy (OCMD). Also called: OCCULT MACULAR DYSTROPHY, SUSCEPTIBILITY TO; OMD. Identifiers: Orphanet 247834, MedGen C3150833, MONDO:0013316, OMIM 613587, HP:0030636.
RP1L1-related disorder. Also called: RP1L1-related condition.

gnomAD v4.1: 12 of 1,603,274 alleles (0.00075%); highest among the groups gnomAD compares: Middle Eastern, 0.016%; no homozygotes.

Submissions (2):

PreventionGenetics, part of Exact Sciences
Classification: Uncertain significance for RP1L1-related condition. Last evaluated: 2026-08-13. Review status: criteria provided, single submitter. Criteria: ACMG Guidelines, 2015. Collection method: clinical testing. Allele origin: germline.
Comment: The RP1L1 c.4522T>A variant is predicted to result in the amino acid substitution p.Cys1508Ser. To our knowledge, this variant has not been reported in the literature. This variant is present in 0.0018% of alleles in individuals of European (Non-Finnish) descent in gnomAD. At this time, the clinical significance of this variant is uncertain due to the absence of conclusive functional and genetic evidence.

Victorian Clinical Genetics Services, Murdoch Childrens Research Institute
Classification: Uncertain significance for Occult macular dystrophy. Last evaluated: 2020-10-19. Review status: criteria provided, single submitter. Criteria: ACMG Guidelines, 2015. Collection method: clinical testing. Allele origin: germline.
Comment: Based on the classification scheme VCGS_Germline_v1.3.3, this variant is classified as 3C-VUS. Following criteria are met: 0102 - Loss of function is a known mechanism of disease in this gene and is associated with autosomal recessive retinitis pigmentosa 88 (MIM#618826). (I) 0108 - This gene is associated with both recessive and dominant disease. Both autosomal dominant occult macular dystrophy (MIM#613587) and autosomal recessive retinitis pigmentosa 88 (MIM#618826) are associated with this gene (PMID: 32360662). (I) 0112 - The condition associated with this gene has incomplete penetrance. Autosomal dominant occult macular dystrophy is known to have reduced penetrance (PMID: 30025130). (I) 0200 - Variant is predicted to result in a missense amino acid change from cysteine to serine. (I) 0251 - This variant is heterozygous. (I) 0304 - Variant is present in gnomAD <0.01 for a recessive condition (3 heterozygotes, 0 homozygotes). (SP) 0309 - An alternative amino acid change at the same position has been observed in gnomAD (v2) (2 heterozygotes, 0 homozygotes). (I) 0503 - Missense variant consistently predicted to be tolerated by multiple in silico tools or not conserved in placental mammals with a minor amino acid change. (SB) 0604 - Variant is not located in an established domain, motif, hotspot or informative constraint region. (I) 0705 - No comparable missense variants have previous evidence for pathogenicity. (I) 0807 - This variant has no previous evidence of pathogenicity. (I) 0905 - No published segregation evidence has been identified for this variant. (I) 1007 - No published functional evidence has been identified for this variant. (I) 1208 - Inheritance information for this variant is not currently available in this individual. (I) Legend: (SP) - Supporting pathogenic, (I) - Information, (SB) - Supporting benign

Literature cited by the submitters: PubMed 30025130 (cited by Victorian Clinical Genetics Services, Murdoch Childrens Research Institute); PubMed 32360662 (cited by Victorian Clinical Genetics Services, Murdoch Childrens Research Institute).

NM_178857.6(RP1L1):c.4522T>A (p.Cys1508Ser)

Gene: RP1L1 (RP1 like 1). Cytogenetic location: 8p23.1.
Variant type: single nucleotide variant.
Coding change: c.4522T>A on transcript NM_178857.6 (MANE Select); coding-DNA position 4522, T replaced by A.
Protein change: p.Cys1508Ser; replaces cysteine 1508 with serine.
Molecular consequence: missense variant.
Genome position (GRCh38, 1-based): chr8:10,609,576, A>T on the plus strand (T>A on the coding strand, the complement: RP1L1 is on the minus strand). VCF-style: chr8-10609576-A-T. GRCh37 (hg19) VCF-style: chr8-10467086-A-T.
Other names: short protein forms C1508S.
Identifiers: ClinVar variation 3377433 (VCV003377433.2).